The following is an entry in ClinVar:

ClinVar aggregate classification (germline): Uncertain significance. Review status: criteria provided, multiple submitters, no conflicts (2 of 4 stars). 2 submissions from 2 submitters: Uncertain significance (2). Last evaluated 2019-10-30.

Conditions:
Cardiomyopathy (CMYO). Also called: Cardiomyopathies. Identifiers: Orphanet 167848, MedGen C0878544, MONDO:0004994, HP:0001638. Inheritance: Various modes of inheritance.

Allele frequency attached by ClinVar (database versions not stated): gnomAD 0.00001; gnomAD exomes 0.00001 and 0.00003; TOPMed 0.00001; ExAC 0.00004.
gnomAD v4.1: 23 of 1,613,812 alleles (0.0014%); highest among the groups gnomAD compares: East Asian, 0.0067%; no homozygotes.

Submissions (2):

GeneDx
Classification: Uncertain significance. Last evaluated: 2019-10-30. Review status: criteria provided, single submitter. Criteria: GeneDx Variant Classification Process June 2021. Collection method: clinical testing. Allele origin: germline. Affected: yes.
Comment: Not observed at a significant frequency in large population cohorts (Lek et al., 2016); Missense variant in a gene in which most reported pathogenic variants are truncating/loss-of-function; Has not been previously published as pathogenic or benign to our knowledge

CHEO Genetics Diagnostic Laboratory, Children's Hospital of Eastern Ontario
Classification: Uncertain significance for Cardiomyopathy. Last evaluated: 2019-10-29. Review status: criteria provided, single submitter. Criteria: ACMG Guidelines, 2015. Collection method: clinical testing. Allele origin: germline.

NM_001267550.2(TTN):c.30443C>T (p.Ser10148Leu)

Gene: TTN (titin; minus strand). Cytogenetic location: 2q31.2.
Variant type: single nucleotide variant.
Coding change: c.30443C>T on transcript NM_001267550.2 (MANE Select); coding-DNA position 30443, C replaced by T.
Protein change: p.Ser10148Leu; replaces serine 10148 with leucine.
Molecular consequence: missense variant. On other transcripts: intron variant (3).
Genome position (GRCh38, 1-based): chr2:178,702,236, G>A on the plus strand (C>T on the coding strand, the complement: TTN is on the minus strand). VCF-style: chr2-178702236-G-A. GRCh37 (hg19) VCF-style: chr2-179566963-G-A.
Other names: c.29492C>T, p.Ser9831Leu (NM_001256850.1); c.26711C>T, p.Ser8904Leu (NM_133378.4); c.13282+35846C>T (NM_003319.4); c.13858+35846C>T (NM_133437.4); c.13657+35846C>T (NM_133432.3); short protein forms S10148L, S8904L, S9831L.
Identifiers: ClinVar variation 1309996 (VCV001309996.4), dbSNP rs766069724, ClinGen allele CA1999165.